The following is an entry in ClinVar:

ClinVar aggregate classification (germline): Likely benign. Review status: criteria provided, multiple submitters, no conflicts (2 of 4 stars). 2 submissions from 2 submitters: Likely benign (2). Last evaluated 2024-06-03.

Conditions:
Familial hypercholesterolemia. Also called: Familial hypercholesterolaemia. Identifiers: MedGen C0020445, MONDO:0005439.

Allele frequency attached by ClinVar (database versions not stated): gnomAD exomes below 0.00001.
gnomAD v4.1: 1 of 1,609,166 alleles (0.000062%); highest among the groups gnomAD compares: Non-Finnish European, 0.000085%; no homozygotes.

Submissions (2):

GENinCode PLC
Classification: Likely benign for Familial hypercholesterolemia. Last evaluated: 2024-06-03. Review status: criteria provided, single submitter. Criteria: ACMG Guidelines, 2015. Collection method: clinical testing. Allele origin: germline.
Comment: This is a synonymous (silent) variant that is not predicted by SpliceAI to impact splicing. In addition, it occurs at a nucleotide that is not conserved. Therefore this variant has been classified as Likely Benign (BP4, BP7).

Color Diagnostics, LLC DBA Color Health
Classification: Likely benign for Familial hypercholesterolemia. Last evaluated: 2021-03-16. Review status: criteria provided, single submitter. Criteria: ACMG Guidelines, 2015. Collection method: clinical testing. Allele origin: germline.

NM_174936.4(PCSK9):c.855G>A (p.Val285=)

Gene: PCSK9 (proprotein convertase subtilisin/kexin type 9; plus strand). Cytogenetic location: 1p32.3.
Variant type: single nucleotide variant.
Coding change: c.855G>A on transcript NM_174936.4 (MANE Select); coding-DNA position 855, G replaced by A.
Protein change: p.Val285=; no amino-acid change (valine 285 retained).
Molecular consequence: synonymous variant. On other transcripts: non-coding transcript variant (8).
Genome position (GRCh38, 1-based): chr1:55,056,048, G>A. VCF-style: chr1-55056048-G-A. GRCh37 (hg19) VCF-style: chr1-55521721-G-A.
Other names: c.978G>A, p.Val326= (NM_001407240.1); c.855G>A, p.Val285= (NM_001407241.1, NM_001407244.1, NM_001407247.1); c.858G>A, p.Val286= (NM_001407242.1); c.798G>A, p.Val266= (NM_001407243.1); c.663G>A, p.Val221= (NM_001407245.1); c.480G>A, p.Val160= (NM_001407246.1).
Identifiers: ClinVar variation 1332071 (VCV001332071.4), dbSNP rs2100311818, ClinGen allele CA417959871.